The following is an entry in ClinVar:

ClinVar aggregate classification (germline): Uncertain significance (1 of 4 stars; one submission).

Submission:

Labcorp Genetics (formerly Invitae), Labcorp
Classification: Uncertain significance. Last evaluated: 2024-09-03. Review status: criteria provided, single submitter. Criteria: Invitae Variant Classification Sherloc (09022015). Collection method: clinical testing. Allele origin: germline.
Comment: This sequence change creates a premature translational stop signal (p.Leu118Argfs*70) in the CTF1 gene. While this is not anticipated to result in nonsense mediated decay, it is expected to disrupt the last 84 amino acid(s) of the CTF1 protein. This variant is present in population databases (no rsID available, gnomAD 0.01%). This variant has not been reported in the literature in individuals affected with CTF1-related conditions. Experimental studies and prediction algorithms are not available or were not evaluated, and the functional significance of this variant is currently unknown. In summary, the available evidence is currently insufficient to determine the role of this variant in disease. Therefore, it has been classified as a Variant of Uncertain Significance.

NM_001330.5(CTF1):c.348_352dup (p.Leu118fs)

Genes: CTF1 (cardiotrophin 1; plus strand), LOC130058878 (ATAC-STARR-seq lymphoblastoid silent region 7400; plus strand). Cytogenetic location: 16p11.2.
Variant type: Microsatellite.
Coding change: c.348_352dup on transcript NM_001330.5 (MANE Select); coding-DNA positions 348 to 352, 5 bases duplicated (GCGCC; older notation c.348_352dupGCGCC).
Protein change: p.Leu118fs; shifts the reading frame from leucine 118.
Molecular consequence: frameshift variant. On other transcripts: non-coding transcript variant (1).
Genome position (GRCh38, 1-based): chr16:30,902,281-30,902,285, GCGCC duplicated; duplicating any 5 consecutive bases within chr16:30,902,275-30,902,285 gives the same sequence; the c. name uses the placement nearest the transcript's 3' end. VCF-style (leftmost placement, unchanged base first): chr16-30902274-G-GCGCGC. GRCh37 (hg19) VCF-style: chr16-30913595-G-GCGCGC.
Other names: c.345_349dup, p.Leu117fs (NM_001142544.3); short protein forms L118fs, L117fs.
Identifiers: ClinVar variation 3705790 (VCV003705790.2).